The following is an entry in ClinVar:

NM_139319.3(SLC17A8):c.1581A>C (p.Glu527Asp)

Gene: SLC17A8 (solute carrier family 17 member 8; plus strand). Cytogenetic location: 12q23.1.
Variant type: single nucleotide variant.
Coding change: c.1581A>C on transcript NM_139319.3 (MANE Select); coding-DNA position 1581, A replaced by C.
Protein change: p.Glu527Asp; replaces glutamic acid 527 with aspartic acid.
Molecular consequence: missense variant.
Genome position (GRCh38, 1-based): chr12:100,419,970, A>C. VCF-style: chr12-100419970-A-C. GRCh37 (hg19) VCF-style: chr12-100813748-A-C.
Other names: c.1431A>C, p.Glu477Asp (NM_001145288.2); short protein forms E477D, E527D.
Identifiers: ClinVar variation 3361957 (VCV003361957.1).
Genomic context (GRCh38, chr12:100,419,970, plus strand): 5'-GGAGTGGGCTGACCCAGAGAATCTCTCTGAGGAGAAATGTGGAATCATTGACCAGGACGA[A>C]TTAGCTGAGGAGATAGAACTCAACCATGAGAGTTTTGCGAGTCCCAAAAAGAAGATGTCT-3'
Protein context (NP_647480.1, residues 517-537): EEKCGIIDQD[Glu527Asp]LAEEIELNHE

ClinVar aggregate classification (germline): Uncertain significance (1 of 4 stars; one submission).

gnomAD v4.1: 3 of 1,614,184 alleles (0.00019%); highest among the groups gnomAD compares: Non-Finnish European, 0.00025%; no homozygotes.

Submission:

GeneDx
Classification: Uncertain significance. Last evaluated: 2023-06-12. Review status: criteria provided, single submitter. Criteria: GeneDx Variant Classification Process June 2021. Collection method: clinical testing. Allele origin: germline. Affected: yes.
Comment: Not observed at significant frequency in large population cohorts (gnomAD); In silico analysis supports that this missense variant does not alter protein structure/function; Has not been previously published as pathogenic or benign to our knowledge